The following is an entry in ClinVar:

ClinVar aggregate classification (germline): Uncertain significance (1 of 4 stars; one submission).

Conditions:
Short-rib thoracic dysplasia 13 with or without polydactyly (SRTD13). Identifiers: Orphanet 474, MedGen C4225378, MONDO:0014577, OMIM 616300.

Allele frequency attached by ClinVar (database versions not stated): ExAC 0.00001; gnomAD exomes 0.00001; TOPMed 0.00005; gnomAD 0.00006.
gnomAD v4.1: 24 of 1,613,174 alleles (0.0015%); highest among the groups gnomAD compares: African/African-American, 0.016%; no homozygotes.

Submission:

Labcorp Genetics (formerly Invitae), Labcorp
Classification: Uncertain significance for Short-rib thoracic dysplasia 13 with or without polydactyly. Last evaluated: 2022-06-20. Review status: criteria provided, single submitter. Criteria: Invitae Variant Classification Sherloc (09022015). Collection method: clinical testing. Allele origin: germline.
Comment: This sequence change replaces threonine, which is neutral and polar, with methionine, which is neutral and non-polar, at codon 648 of the CEP120 protein (p.Thr648Met). This variant is present in population databases (rs766586795, gnomAD 0.02%). This variant has not been reported in the literature in individuals affected with CEP120-related conditions. Algorithms developed to predict the effect of missense changes on protein structure and function (SIFT, PolyPhen-2, Align-GVGD) all suggest that this variant is likely to be disruptive. In summary, the available evidence is currently insufficient to determine the role of this variant in disease. Therefore, it has been classified as a Variant of Uncertain Significance.

NM_001375405.1(CEP120):c.1943C>T (p.Thr648Met)

Gene: CEP120 (centrosomal protein 120; minus strand). Cytogenetic location: 5q23.2.
Variant type: single nucleotide variant.
Coding change: c.1943C>T on transcript NM_001375405.1 (MANE Select); coding-DNA position 1943, C replaced by T.
Protein change: p.Thr648Met; replaces threonine 648 with methionine.
Molecular consequence: missense variant. On other transcripts: non-coding transcript variant (1).
Genome position (GRCh38, 1-based): chr5:123,382,807, G>A on the plus strand (C>T on the coding strand, the complement: CEP120 is on the minus strand). VCF-style: chr5-123382807-G-A. GRCh37 (hg19) VCF-style: chr5-122718501-G-A.
Other names: c.1865C>T, p.Thr622Met (NM_001166226.2); c.1808C>T, p.Thr603Met (NM_001375406.1); c.1943C>T, p.Thr648Met (NM_001375407.1, NM_153223.4); c.1370C>T, p.Thr457Met (NM_001375408.1, NM_001375409.1); short protein forms T648M, T622M, T457M, T603M.
Identifiers: ClinVar variation 2192662 (VCV002192662.1), dbSNP rs766586795, ClinGen allele CA3386803.